The following is an entry in ClinVar:

ClinVar aggregate classification (germline): Uncertain significance. Review status: criteria provided, multiple submitters, no conflicts (2 of 4 stars). 2 submissions from 2 submitters: Uncertain significance (2). Last evaluated 2025-06-23.

Allele frequency attached by ClinVar (database versions not stated): ExAC 0.00001; gnomAD 0.00002; gnomAD exomes 0.00001; TOPMed 0.00003.
gnomAD v4.1: 16 of 1,613,986 alleles (0.00099%); highest among the groups gnomAD compares: Admixed American, 0.0033%; no homozygotes.

Submissions (2):

Labcorp Genetics (formerly Invitae), Labcorp
Classification: Uncertain significance. Last evaluated: 2025-06-23. Review status: criteria provided, single submitter. Criteria: Invitae Variant Classification Sherloc (09022015). Collection method: clinical testing. Allele origin: germline.
Comment: This sequence change replaces arginine, which is basic and polar, with histidine, which is basic and polar, at codon 257 of the DSCAML1 protein (p.Arg257His). This variant is present in population databases (rs753211702, gnomAD 0.002%). This variant has not been reported in the literature in individuals affected with DSCAML1-related conditions. ClinVar contains an entry for this variant (Variation ID: 2720724). An algorithm developed to predict the effect of missense changes on protein structure and function (PolyPhen-2) suggests that this variant is likely to be disruptive. In summary, the available evidence is currently insufficient to determine the role of this variant in disease. Therefore, it has been classified as a Variant of Uncertain Significance.

Ambry Genetics
Classification: Uncertain significance. Last evaluated: 2024-12-02. Review status: criteria provided, single submitter. Criteria: Ambry Variant Classification Scheme 2023. Collection method: clinical testing. Allele origin: germline.

NM_020693.4(DSCAML1):c.590G>A (p.Arg197His)

Gene: DSCAML1 (DS cell adhesion molecule like 1; minus strand). Cytogenetic location: 11q23.3.
Variant type: single nucleotide variant.
Coding change: c.590G>A on transcript NM_020693.4 (MANE Select); coding-DNA position 590, G replaced by A.
Protein change: p.Arg197His; replaces arginine 197 with histidine.
Molecular consequence: missense variant.
Genome position (GRCh38, 1-based): chr11:117,532,444, C>T on the plus strand (G>A on the coding strand, the complement: DSCAML1 is on the minus strand). VCF-style: chr11-117532444-C-T. GRCh37 (hg19) VCF-style: chr11-117403159-C-T.
Other names: c.590G>A, p.Arg197His (NM_001367904.1); c.182G>A, p.Arg61His (NM_001367905.1); c.770G>A (NM_020693.2); short protein forms R197H, R61H.
Identifiers: ClinVar variation 2720724 (VCV002720724.4), dbSNP rs753211702, ClinGen allele CA6297509.